The following is an entry in ClinVar:

NM_005876.5(SPEG):c.3202C>T (p.Arg1068Trp)

Gene: SPEG (striated muscle enriched protein kinase; plus strand). Cytogenetic location: 2q35.
Variant type: single nucleotide variant.
Coding change: c.3202C>T on transcript NM_005876.5 (MANE Select); coding-DNA position 3202, C replaced by T.
Protein change: p.Arg1068Trp; replaces arginine 1068 with tryptophan.
Molecular consequence: missense variant.
Genome position (GRCh38, 1-based): chr2:219,468,637, C>T. VCF-style: chr2-219468637-C-T. GRCh37 (hg19) VCF-style: chr2-220333359-C-T.
Other names: c.3202C>T (NM_005876.4); short protein forms R1068W.
Identifiers: ClinVar variation 1448299 (VCV001448299.7), dbSNP rs200437079, ClinGen allele CA2126097.

ClinVar aggregate classification (germline): Uncertain significance. Review status: criteria provided, multiple submitters, no conflicts (2 of 4 stars). 2 submissions from 2 submitters: Uncertain significance (2). Last evaluated 2024-01-29.

Conditions:
Inborn genetic diseases. Identifiers: MedGen C0950123, MeSH D030342.

Allele frequency attached by ClinVar (database versions not stated): ExAC 0.00012; gnomAD exomes 0.00015 and 0.00022; TOPMed 0.00015; gnomAD 0.00018 and 0.00019; ESP Exome Variant Server 0.00032.
gnomAD v4.1: 338 of 1,613,914 alleles (0.021%); highest among the groups gnomAD compares: Non-Finnish European, 0.025%; no homozygotes.

Submissions (2):

Labcorp Genetics (formerly Invitae), Labcorp
Classification: Uncertain significance. Last evaluated: 2024-01-29. Review status: criteria provided, single submitter. Criteria: Invitae Variant Classification Sherloc (09022015). Collection method: clinical testing. Allele origin: germline.
Comment: This sequence change replaces arginine, which is basic and polar, with tryptophan, which is neutral and slightly polar, at codon 1068 of the SPEG protein (p.Arg1068Trp). This variant is present in population databases (rs200437079, gnomAD 0.02%). This variant has not been reported in the literature in individuals affected with SPEG-related conditions. ClinVar contains an entry for this variant (Variation ID: 1448299). Algorithms developed to predict the effect of missense changes on protein structure and function output the following: SIFT: "Not Available"; PolyPhen-2: "Benign"; Align-GVGD: "Not Available". The tryptophan amino acid residue is found in multiple mammalian species, which suggests that this missense change does not adversely affect protein function. In summary, the available evidence is currently insufficient to determine the role of this variant in disease. Therefore, it has been classified as a Variant of Uncertain Significance.

Ambry Genetics
Classification: Uncertain significance for Inborn genetic diseases. Last evaluated: 2022-05-31. Review status: criteria provided, single submitter. Criteria: Ambry Variant Classification Scheme 2023. Collection method: clinical testing. Allele origin: germline.